The following is an entry in ClinVar:

NM_000292.3(PHKA2):c.237+1G>T

Gene: PHKA2 (phosphorylase kinase regulatory subunit alpha 2; minus strand). Cytogenetic location: Xp22.13.
Variant type: single nucleotide variant.
Coding change: c.237+1G>T on transcript NM_000292.3 (MANE Select); the canonical splice donor site of the intron after coding-DNA position 237, G replaced by T.
Molecular consequence: splice donor variant.
Genome position (GRCh38, 1-based): chrX:18,954,253, C>A on the plus strand (G>T on the coding strand, the complement: PHKA2 is on the minus strand). VCF-style: chrX-18954253-C-A. GRCh37 (hg19) VCF-style: chrX-18972371-C-A.
Identifiers: ClinVar variation 3367043 (VCV003367043.1).

ClinVar aggregate classification (germline): Likely pathogenic (1 of 4 stars; one submission).

Conditions:
Glycogen storage disease IXa1. Also called: LIVER GLYCOGENOSIS, X-LINKED, TYPE I; GLYCOGEN STORAGE DISEASE VIII; GSD VIII; Glycogen storage disease 8. Identifiers: Orphanet 264580, MedGen C3694531, MONDO:0010598, OMIM 306000.

Submission:

Neuberg Centre For Genomic Medicine, NCGM
Classification: Likely pathogenic for Glycogen storage disease IXa1. Last evaluated: 2023-05-20. Review status: criteria provided, single submitter. Criteria: ACMG Guidelines, 2015. Collection method: clinical testing. Allele origin: germline. Inheritance: X-linked recessive inheritance. Affected: yes.
Comment: The observed splice donor variant c.237+1G>T in PHKA2 gene has been reported previously in an individual with glycogen storage disease type IXa (Fu J, et al., 2019). The c.237+1G>T variant is absent in gnomAD Exomes. The variant is predicted to be damaging by SpliceAI Prediction. The variant affects the GT donor splice site downstream of exon 2. This variant is predicted to cause loss of normal protein function through protein truncation. Loss of function variants have been previously reported to be disease causing (Hendrickx J, et al., 1999). For these reasons, this variant has been classified as Likely Pathogenic.